The following is an entry in ClinVar:

NM_201400.4(EEF2KMT):c.957G>C (p.Glu319Asp)

Genes: ALG1 (ALG1 chitobiosyldiphosphodolichol beta-mannosyltransferase; plus strand), EEF2KMT (eukaryotic elongation factor 2 lysine methyltransferase; minus strand). Cytogenetic location: 16p13.3.
Variant type: single nucleotide variant.
Coding change: c.957G>C on transcript NM_201400.4 (MANE Select); coding-DNA position 957, G replaced by C.
Protein change: p.Glu319Asp; replaces glutamic acid 319 with aspartic acid.
Molecular consequence: missense variant. On other transcripts: 3 prime UTR variant (2).
Genome position (GRCh38, 1-based): chr16:5,085,668, C>G on the plus strand (G>C on the coding strand, the complement: EEF2KMT is on the minus strand). VCF-style: chr16-5085668-C-G. GRCh37 (hg19) VCF-style: chr16-5135669-C-G.
Other names: c.957G>C (NM_201400.2); c.774G>C, p.Glu258Asp (NM_001289029.2); c.855G>C, p.Glu285Asp (NM_201598.4); c.*787C>G (NM_001330504.2, NM_019109.5); short protein forms E285D, E319D, E258D.
Identifiers: ClinVar variation 1032824 (VCV001032824.3), dbSNP rs142385356, ClinGen allele CA7890409.
Genomic context (GRCh38, chr16:5,085,668, plus strand): 5'-TCCCGTTGGAGTCGTGTGTGAGTCCTACAGGGTGAGATTCAGCATTGCCATCTCCAAGTG[C>G]TCTTCGTAGGGAAACAGTTTCTGCTCATGACGAGGTTCCACTTCCCATCTGATCCCGGCC-3'
Protein context (NP_958802.1, residues 309-329): RHEQKLFPYE[Glu319Asp]HLEMAMLNLT

ClinVar aggregate classification (germline): Uncertain significance. Review status: criteria provided, multiple submitters, no conflicts (2 of 4 stars). 3 submissions from 3 submitters: Uncertain significance (3). Last evaluated 2025-09-01.

Conditions:
ALG1-congenital disorder of glycosylation. Also called: ALG1-CDG; CONGENITAL DISORDER OF GLYCOSYLATION, TYPE Ik; CDG Ik. Identifiers: Orphanet 79327, MedGen C2931005, MONDO:0012052, OMIM 608540.

Allele frequency attached by ClinVar (database versions not stated): gnomAD exomes 0.00015 and 0.00049; ExAC 0.00063; 1000 Genomes Project 30x 0.00078; 1000 Genomes Project 0.00080; gnomAD 0.00169 and 0.00184; ESP Exome Variant Server 0.00177; TOPMed 0.00196.
gnomAD v4.1: 476 of 1,611,870 alleles (0.03%); highest among the groups gnomAD compares: African/African-American, 0.58%; 6 homozygotes.

Submissions (3):

Ambry Genetics
Classification: Uncertain significance. Last evaluated: 2025-09-01. Review status: criteria provided, single submitter. Criteria: Ambry Variant Classification Scheme 2023. Collection method: clinical testing. Allele origin: germline.

Baylor Genetics
Classification: Uncertain significance for ALG1-congenital disorder of glycosylation. Last evaluated: 2018-03-21. Review status: criteria provided, single submitter. Criteria: ACMG Guidelines, 2015. Collection method: clinical testing. Allele origin: paternal. Affected: yes.
Comment: This variant was determined to be of uncertain significance according to ACMG Guidelines, 2015 [PMID:25741868].

Breakthrough Genomics
Classification: Uncertain significance. Review status: criteria provided, single submitter. Criteria: ACMG Guidelines, 2015. Collection method: not provided. Allele origin: germline. Inheritance: Autosomal recessive inheritance. Affected: yes.